The following is an entry in ClinVar:

ClinVar aggregate classification (germline): Benign/Likely benign. Review status: criteria provided, multiple submitters, no conflicts (2 of 4 stars). 12 submissions from 12 submitters: Benign (7); Likely benign (4). 1 of the submissions does not count toward it. Last evaluated 2026-01-28.

Conditions:
NF2-related disorder. Also called: NF2-related condition.
Hereditary cancer-predisposing syndrome. Also called: Tumor predisposition; Hereditary neoplastic syndrome; Hereditary Cancer Syndrome; Neoplastic Syndromes, Hereditary. Identifiers: Orphanet 140162, MedGen C0027672, MeSH D009386, MONDO:0015356.
Neurofibromatosis, type 2 (SWNV). Also called: BILATERAL ACOUSTIC NEUROFIBROMATOSIS; NF2-Related Schwannomatosis; SCHWANNOMATOSIS, VESTIBULAR. Identifiers: Orphanet 637, MedGen C0027832, MONDO:0007039, OMIM 101000. Disease mechanism: loss of function.

Allele frequency attached by ClinVar (database versions not stated): ESP Exome Variant Server 0.00008; gnomAD 0.00018 and 0.00021; ExAC 0.00022; TOPMed 0.00023; gnomAD exomes 0.00025 and 0.00042.
gnomAD v4.1: 640 of 1,614,074 alleles (0.04%); highest among the groups gnomAD compares: Non-Finnish European, 0.051%; 3 homozygotes.

Submissions (12):

Labcorp Genetics (formerly Invitae), Labcorp
Classification: Benign for Neurofibromatosis, type 2. Last evaluated: 2026-01-28. Review status: criteria provided, single submitter. Criteria: Invitae Variant Classification Sherloc (09022015). Collection method: clinical testing. Allele origin: germline.

Mayo Clinic Laboratories, Mayo Clinic
Classification: Benign. Last evaluated: 2025-09-15. Review status: criteria provided, single submitter. Criteria: ACMG Guidelines, 2015. Collection method: clinical testing. Allele origin: germline. Observed: 1 variant allele.
Comment: BS1, BS2, BP4, BP7

All of Us Research Program, National Institutes of Health
Classification: Benign for Neurofibromatosis, type 2. Last evaluated: 2024-02-05. Review status: criteria provided, single submitter. Criteria: ACMG Guidelines, 2015. Collection method: clinical testing. Allele origin: germline. Inheritance: Autosomal dominant inheritance. Observed: 82 variant alleles, 82 heterozygotes.
Comment: This study involves interpretation of variants in research participants for the purpose of population health screening. Participant phenotype was not available at the time of variant classification. Additional details can be found in publication PMID: 35346344, PMCID: PMC8962531

Blueprint Genetics
Classification: Likely benign. Last evaluated: 2023-08-01. Review status: criteria provided, single submitter. Criteria: ACMG Guidelines, 2015. Collection method: clinical testing. Allele origin: germline.

Color Diagnostics, LLC DBA Color Health
Classification: Benign for Neurofibromatosis, type 2. Last evaluated: 2022-03-11. Review status: criteria provided, single submitter. Criteria: ACMG Guidelines, 2015. Collection method: clinical testing. Allele origin: germline.

CeGaT Center for Human Genetics Tuebingen
Classification: Likely benign. Last evaluated: 2022-03-01. Review status: criteria provided, single submitter. Criteria: CeGaT Center For Human Genetics Tuebingen Variant Classification Criteria Version 2. Collection method: clinical testing. Allele origin: germline. Affected: yes. Observed: 1 variant allele.
Comment: NF2: BP4

Genome-Nilou Lab
Classification: Benign for Neurofibromatosis, type 2. Last evaluated: 2021-11-07. Review status: criteria provided, single submitter. Criteria: ACMG Guidelines, 2015. Collection method: clinical testing. Allele origin: germline. Affected: no.

Sema4
Classification: Benign for Hereditary cancer-predisposing syndrome. Last evaluated: 2020-12-17. Review status: criteria provided, single submitter. Criteria: Sema4 Curation Guidelines. Collection method: curation. Allele origin: germline.

GeneDx
Classification: Likely benign. Last evaluated: 2020-12-03. Review status: criteria provided, single submitter. Criteria: GeneDx Variant Classification Process June 2021. Collection method: clinical testing. Allele origin: germline. Affected: yes.

Illumina Laboratory Services, Illumina
Classification: Benign for Neurofibromatosis, type 2. Last evaluated: 2018-01-13. Review status: criteria provided, single submitter. Criteria: ICSL Variant Classification Criteria 13 December 2019. Collection method: clinical testing. Allele origin: germline.
Comment: This variant was observed in the ICSL laboratory as part of a predisposition screen in an ostensibly healthy population. It had not been previously curated by ICSL or reported in the Human Gene Mutation Database (HGMD: prior to June 1st, 2018), and was therefore a candidate for classification through an automated scoring system. Utilizing variant allele frequency, disease prevalence and penetrance estimates, and inheritance mode, an automated score was calculated to assess if this variant is too frequent to cause the disease. Based on the score and internal cut-off values, a variant classified as benign is not then subjected to further curation. The score for this variant resulted in a classification of benign for this disease.

Ambry Genetics
Classification: Likely benign for Hereditary cancer-predisposing syndrome. Last evaluated: 2017-04-04. Review status: criteria provided, single submitter. Criteria: Ambry Variant Classification Scheme 2023. Collection method: clinical testing. Allele origin: germline.

PreventionGenetics, part of Exact Sciences
Classification: Likely benign for NF2-related condition. Last evaluated: 2019-09-13. Review status: no assertion criteria provided. Collection method: clinical testing. Allele origin: germline. Not counted in ClinVar's aggregate classification.
Comment: This variant is classified as likely benign based on ACMG/AMP sequence variant interpretation guidelines (Richards et al. 2015 PMID: 25741868, with internal and published modifications).

NM_000268.4(NF2):c.246G>A (p.Leu82=)

Gene: NF2 (NF2, moesin-ezrin-radixin like (MERLIN) tumor suppressor; plus strand). Cytogenetic location: 22q12.2.
Variant type: single nucleotide variant.
Coding change: c.246G>A on transcript NM_000268.4 (MANE Select); coding-DNA position 246, G replaced by A.
Protein change: p.Leu82=; no amino-acid change (leucine 82 retained).
Molecular consequence: synonymous variant. On other transcripts: non-coding transcript variant (1), intron variant (3).
Genome position (GRCh38, 1-based): chr22:29,639,095, G>A. VCF-style: chr22-29639095-G-A. GRCh37 (hg19) VCF-style: chr22-30035084-G-A.
Other names: p.Leu82=; c.246G>A, p.Leu82= (NM_016418.5, NM_181825.3, NM_181832.3 and 1 more transcripts); c.120G>A, p.Leu40= (NM_181828.3); c.240+2219G>A (NM_181829.3); c.115-3107G>A (NM_181830.3, NM_181831.3); c.246G>A (NM_181832.2).
Identifiers: ClinVar variation 417153 (VCV000417153.52), dbSNP rs371270318, ClinGen allele CA030447.